The following is an entry in ClinVar:

ClinVar aggregate classification (germline): Uncertain significance. Review status: criteria provided, multiple submitters, no conflicts (2 of 4 stars). 4 submissions from 4 submitters: Uncertain significance (4). Last evaluated 2025-01-06.

Conditions:
Early-infantile DEE. Also called: Early infantile epileptic encephalopathy with suppression bursts; Ohtahara syndrome; Early infantile epileptic encephalopathy. Identifiers: Orphanet 1934, MedGen C0393706, MONDO:0800491.

Allele frequency attached by ClinVar (database versions not stated): TOPMed 0.00005.

Submissions (4):

Labcorp Genetics (formerly Invitae), Labcorp
Classification: Uncertain significance for Early-infantile DEE. Last evaluated: 2025-01-06. Review status: criteria provided, single submitter. Criteria: Invitae Variant Classification Sherloc (09022015). Collection method: clinical testing. Allele origin: germline.
Comment: This sequence change replaces arginine, which is basic and polar, with cysteine, which is neutral and slightly polar, at codon 1928 of the SCN1A protein (p.Arg1928Cys). This variant is present in population databases (rs121917956, gnomAD 0.006%). This missense change has been observed in individual(s) with Dravet syndrome (PMID: 35074891). This variant is also known as c.5749C>T (p.Arg1917Cys). ClinVar contains an entry for this variant (Variation ID: 93659). Invitae Evidence Modeling of protein sequence and biophysical properties (such as structural, functional, and spatial information, amino acid conservation, physicochemical variation, residue mobility, and thermodynamic stability) indicates that this missense variant is not expected to disrupt SCN1A protein function with a negative predictive value of 95%. In summary, the available evidence is currently insufficient to determine the role of this variant in disease. Therefore, it has been classified as a Variant of Uncertain Significance.

Blueprint Genetics
Classification: Uncertain significance. Last evaluated: 2024-02-09. Review status: criteria provided, single submitter. Criteria: ACMG Guidelines, 2015. Collection method: clinical testing. Allele origin: germline.

Mayo Clinic Laboratories, Mayo Clinic
Classification: Uncertain significance. Last evaluated: 2019-05-20. Review status: criteria provided, single submitter. Criteria: ACMG Guidelines, 2015. Collection method: clinical testing. Allele origin: germline. Observed: 1 variant allele.

Eurofins Ntd Llc (ga)
Classification: Uncertain significance. Last evaluated: 2013-04-02. Review status: criteria provided, single submitter. Criteria: EGL Classification Definitions 2015. Collection method: clinical testing. Allele origin: germline. Observed: 1 variant allele, 1 heterozygote.

Literature cited by the submitters: PubMed 35074891 (cited by Labcorp Genetics (formerly Invitae), Labcorp).

NM_001165963.4(SCN1A):c.5782C>T (p.Arg1928Cys)

Genes: SCN1A (sodium voltage-gated channel alpha subunit 1; minus strand), LOC102724058 (uncharacterized LOC102724058; plus strand). Cytogenetic location: 2q24.3.
Variant type: single nucleotide variant.
Coding change: c.5782C>T on transcript NM_001165963.4 (MANE Select); coding-DNA position 5782, C replaced by T.
Protein change: p.Arg1928Cys; replaces arginine 1928 with cysteine.
Molecular consequence: missense variant. On other transcripts: non-coding transcript variant (1).
Genome position (GRCh38, 1-based): chr2:165,991,493, G>A on the plus strand (C>T on the coding strand, the complement: SCN1A is on the minus strand). VCF-style: chr2-165991493-G-A. GRCh37 (hg19) VCF-style: chr2-166848003-G-A.
Other names: c.5698C>T, p.Arg1900Cys (NM_001165964.3, NM_001353957.2, NM_001353958.2); c.5782C>T, p.Arg1928Cys (NM_001202435.3, NM_001353948.2); c.5749C>T, p.Arg1917Cys (NM_001353949.2, NM_001353950.2, NM_001353951.2 and 2 more transcripts); c.5746C>T, p.Arg1916Cys (NM_001353954.2, NM_001353955.2); c.5695C>T, p.Arg1899Cys (NM_001353960.2); c.3340C>T, p.Arg1114Cys (NM_001353961.2); short protein forms R1917C, R1928C, R1114C, R1900C, R1899C, R1916C.
Identifiers: ClinVar variation 93659 (VCV000093659.19), dbSNP rs121917956, ClinGen allele CA221607.